The following is an entry in ClinVar:

ClinVar aggregate classification (germline): Uncertain significance (1 of 4 stars; one submission).

Conditions:
Medium-chain acyl-coenzyme A dehydrogenase deficiency (ACADMD). Also called: Medium chain acyl-CoA dehydrogenase deficiency; CARNITINE DEFICIENCY SECONDARY TO MEDIUM-CHAIN ACYL-CoA DEHYDROGENASE DEFICIENCY; MCADD; MCAD Deficiency; MCADH DEFICIENCY; ACADM DEFICIENCY. Identifiers: Orphanet 42, MedGen C0220710, MONDO:0008721, OMIM 201450.

gnomAD v4.1: 2 of 1,612,550 alleles (0.00012%); highest among the groups gnomAD compares: East Asian, 0.0022%; no homozygotes.

Submission:

Labcorp Genetics (formerly Invitae), Labcorp
Classification: Uncertain significance for Medium-chain acyl-coenzyme A dehydrogenase deficiency. Last evaluated: 2024-07-23. Review status: criteria provided, single submitter. Criteria: Invitae Variant Classification Sherloc (09022015). Collection method: clinical testing. Allele origin: germline.
Comment: This sequence change replaces serine, which is neutral and polar, with phenylalanine, which is neutral and non-polar, at codon 167 of the ACADM protein (p.Ser167Phe). This variant is present in population databases (no rsID available, gnomAD 0.06%). This variant has not been reported in the literature in individuals affected with ACADM-related conditions. Advanced modeling of protein sequence and biophysical properties (such as structural, functional, and spatial information, amino acid conservation, physicochemical variation, residue mobility, and thermodynamic stability) performed at Invitae indicates that this missense variant is expected to disrupt ACADM protein function with a positive predictive value of 80%. In summary, the available evidence is currently insufficient to determine the role of this variant in disease. Therefore, it has been classified as a Variant of Uncertain Significance.

NM_000016.6(ACADM):c.500C>T (p.Ser167Phe)

Gene: ACADM (acyl-CoA dehydrogenase medium chain; plus strand). Cytogenetic location: 1p31.1.
Variant type: single nucleotide variant.
Coding change: c.500C>T on transcript NM_000016.6 (MANE Select); coding-DNA position 500, C replaced by T.
Protein change: p.Ser167Phe; replaces serine 167 with phenylalanine.
Molecular consequence: missense variant. On other transcripts: 5 prime UTR variant (1).
Genome position (GRCh38, 1-based): chr1:75,740,011, C>T. VCF-style: chr1-75740011-C-T. GRCh37 (hg19) VCF-style: chr1-76205696-C-T.
Other names: c.392C>T, p.Ser131Phe (NM_001286042.2); c.599C>T, p.Ser200Phe (NM_001286043.2); c.-68C>T (NM_001286044.2); c.512C>T, p.Ser171Phe (NM_001127328.3); short protein forms S171F, S200F, S131F, S167F.
Identifiers: ClinVar variation 3713351 (VCV003713351.1).